The following is an entry in ClinVar:

ClinVar aggregate classification (germline): Pathogenic (1 of 4 stars; one submission).

Conditions:
Spastic paraplegia. Identifiers: MedGen C0037772, HP:0001258.

Submission:

Labcorp Genetics (formerly Invitae), Labcorp
Classification: Pathogenic for Spastic paraplegia. Last evaluated: 2024-01-09. Review status: criteria provided, single submitter. Criteria: Invitae Variant Classification Sherloc (09022015). Collection method: clinical testing. Allele origin: germline.
Comment: This sequence change creates a premature translational stop signal (p.Lys4296Glnfs*4) in the SACS gene. While this is not anticipated to result in nonsense mediated decay, it is expected to disrupt the last 284 amino acid(s) of the SACS protein. This variant is not present in population databases (gnomAD no frequency). This variant has not been reported in the literature in individuals affected with SACS-related conditions. ClinVar contains an entry for this variant (Variation ID: 1451334). This variant disrupts a region of the SACS protein in which other variant(s) (p.Asn4549Asp) have been determined to be pathogenic (PMID: 15156359, 21507954). This suggests that this is a clinically significant region of the protein, and that variants that disrupt it are likely to be disease-causing. For these reasons, this variant has been classified as Pathogenic.

Literature cited by the submitters: PubMed 15156359; PubMed 21507954.

NM_014363.6(SACS):c.12885dup (p.Lys4296fs)

Gene: SACS (sacsin molecular chaperone; minus strand). Cytogenetic location: 13q12.12.
Variant type: Duplication.
Coding change: c.12885dup on transcript NM_014363.6 (MANE Select); coding-DNA position 12885, one base duplicated (C; older notation c.12885dupC).
Protein change: p.Lys4296fs; shifts the reading frame from lysine 4296.
Molecular consequence: frameshift variant.
Genome position (GRCh38, 1-based): chr13:23,330,991, G duplicated on the plus strand (C on the coding strand, the reverse complement: SACS is on the minus strand); the first of 5 consecutive G bases (chr13:23,330,991-23,330,995); duplicating any one gives the same sequence. VCF-style (leftmost placement, unchanged base first): chr13-23330990-T-TG. GRCh37 (hg19) VCF-style: chr13-23905129-T-TG.
Other names: c.12444dup, p.Lys4149fs (NM_001278055.2); short protein forms K4296fs, K4149fs.
Identifiers: ClinVar variation 1451334 (VCV001451334.6), dbSNP rs2137553918, ClinGen allele CA2573149119.